The following is an entry in ClinVar:

NM_004336.5(BUB1):c.2182C>T (p.Leu728Phe)

Gene: BUB1 (BUB1 mitotic checkpoint serine/threonine kinase; minus strand). Cytogenetic location: 2q13.
Variant type: single nucleotide variant.
Coding change: c.2182C>T on transcript NM_004336.5 (MANE Select); coding-DNA position 2182, C replaced by T.
Protein change: p.Leu728Phe; replaces leucine 728 with phenylalanine.
Molecular consequence: missense variant.
Genome position (GRCh38, 1-based): chr2:110,650,567, G>A on the plus strand (C>T on the coding strand, the complement: BUB1 is on the minus strand). VCF-style: chr2-110650567-G-A. GRCh37 (hg19) VCF-style: chr2-111408144-G-A.
Other names: c.2122C>T, p.Leu708Phe (NM_001278616.2); c.2182C>T, p.Leu728Phe (NM_001278617.2); short protein forms L708F, L728F.
Identifiers: ClinVar variation 2464655 (VCV002464655.2), dbSNP rs776719073, ClinGen allele CA1827878.

ClinVar aggregate classification (germline): Uncertain significance (1 of 4 stars; one submission).

Allele frequency attached by ClinVar (database versions not stated): ExAC 0.00001; gnomAD 0.00001; TOPMed 0.00001; gnomAD exomes 0.00007.
gnomAD v4.1: 104 of 1,613,638 alleles (0.0064%); highest among the groups gnomAD compares: Non-Finnish European, 0.0086%; no homozygotes.

Submission:

Ambry Genetics
Classification: Uncertain significance. Last evaluated: 2023-03-05. Review status: criteria provided, single submitter. Criteria: Ambry Variant Classification Scheme 2023. Collection method: clinical testing. Allele origin: germline.
Comment: The p.L728F variant (also known as c.2182C>T), located in coding exon 18 of the BUB1 gene, results from a C to T substitution at nucleotide position 2182. The leucine at codon 728 is replaced by phenylalanine, an amino acid with highly similar properties. This amino acid position is conserved. In addition, this alteration is predicted to be tolerated by in silico analysis. Since supporting evidence is limited at this time, the clinical significance of this alteration remains unclear.